The following is an entry in ClinVar:

ClinVar aggregate classification (germline): Uncertain significance (1 of 4 stars; one submission).

Conditions:
Developmental and epileptic encephalopathy, 12 (DEE12). Identifiers: MedGen C3150988, MONDO:0013389, OMIM 613722.

Allele frequency attached by ClinVar (database versions not stated): gnomAD 0.00001; gnomAD exomes 0.00001 and 0.00002; ExAC 0.00002; TOPMed 0.00002.
gnomAD v4.1: 19 of 1,613,956 alleles (0.0012%); highest among the groups gnomAD compares: Non-Finnish European, 0.0015%; no homozygotes.

Submission:

Labcorp Genetics (formerly Invitae), Labcorp
Classification: Uncertain significance for Developmental and epileptic encephalopathy, 12. Last evaluated: 2021-08-28. Review status: criteria provided, single submitter. Criteria: Invitae Variant Classification Sherloc (09022015). Collection method: clinical testing. Allele origin: germline.
Comment: This sequence change replaces tyrosine with histidine at codon 107 of the PLCB1 protein (p.Tyr107His). The tyrosine residue is moderately conserved and there is a moderate physicochemical difference between tyrosine and histidine. This variant is present in population databases (rs759519379, ExAC 0.004%). This variant has not been reported in the literature in individuals affected with PLCB1-related conditions. Algorithms developed to predict the effect of missense changes on protein structure and function (SIFT, PolyPhen-2, Align-GVGD) all suggest that this variant is likely to be tolerated. In summary, the available evidence is currently insufficient to determine the role of this variant in disease. Therefore, it has been classified as a Variant of Uncertain Significance.

NM_015192.4(PLCB1):c.319T>C (p.Tyr107His)

Gene: PLCB1 (phospholipase C beta 1; plus strand). Cytogenetic location: 20p12.3.
Variant type: single nucleotide variant.
Coding change: c.319T>C on transcript NM_015192.4 (MANE Select); coding-DNA position 319, T replaced by C.
Protein change: p.Tyr107His; replaces tyrosine 107 with histidine.
Molecular consequence: missense variant.
Genome position (GRCh38, 1-based): chr20:8,628,366, T>C. VCF-style: chr20-8628366-T-C. GRCh37 (hg19) VCF-style: chr20-8609013-T-C.
Other names: c.319T>C, p.Tyr107His (NM_182734.3); short protein forms Y107H.
Identifiers: ClinVar variation 834508 (VCV000834508.7), dbSNP rs759519379, ClinGen allele CA9759649.